The following is an entry in ClinVar:

ClinVar aggregate classification (germline): Uncertain significance (1 of 4 stars; one submission).

Conditions:
Tuberous sclerosis 2 (TSC2). Identifiers: Orphanet 805, MedGen C1860707, MONDO:0013199, OMIM 613254.

Submission:

Labcorp Genetics (formerly Invitae), Labcorp
Classification: Uncertain significance for Tuberous sclerosis 2. Last evaluated: 2022-08-30. Review status: criteria provided, single submitter. Criteria: Invitae Variant Classification Sherloc (09022015). Collection method: clinical testing. Allele origin: germline.
Comment: In summary, the available evidence is currently insufficient to determine the role of this variant in disease. Therefore, it has been classified as a Variant of Uncertain Significance. This variant is not present in population databases (gnomAD no frequency). This variant has not been reported in the literature in individuals affected with TSC2-related conditions. Advanced modeling of protein sequence and biophysical properties (such as structural, functional, and spatial information, amino acid conservation, physicochemical variation, residue mobility, and thermodynamic stability) performed at Invitae indicates that this missense variant is not expected to disrupt TSC2 protein function. This sequence change replaces valine, which is neutral and non-polar, with leucine, which is neutral and non-polar, at codon 1531 of the TSC2 protein (p.Val1531Leu).

NM_000548.5(TSC2):c.4591G>C (p.Val1531Leu)

Gene: TSC2 (TSC complex subunit 2; plus strand). Cytogenetic location: 16p13.3.
Variant type: single nucleotide variant.
Coding change: c.4591G>C on transcript NM_000548.5 (MANE Select); coding-DNA position 4591, G replaced by C.
Protein change: p.Val1531Leu; replaces valine 1531 with leucine.
Molecular consequence: missense variant.
Genome position (GRCh38, 1-based): chr16:2,085,251, G>C. VCF-style: chr16-2085251-G-C. GRCh37 (hg19) VCF-style: chr16-2135252-G-C.
Other names: c.3922G>C, p.Val1308Leu (NM_001406683.1, NM_001406682.1); c.3919G>C, p.Val1307Leu (NM_001406684.1); c.3793G>C, p.Val1265Leu (NM_001406685.1, NM_001406686.1); c.3790G>C, p.Val1264Leu (NM_001406687.1, NM_001406688.1); c.3178G>C, p.Val1060Leu (NM_001406689.1); c.3118G>C, p.Val1040Leu (NM_001406690.1); c.3115G>C, p.Val1039Leu (NM_001406691.1); c.3049G>C, p.Val1017Leu (NM_001406692.1, NM_001406693.1, NM_001406694.1); and 26 more; short protein forms V1016L, V1017L, V1039L, V1040L, V1060L, V1264L, V1265L, V1287L.
Identifiers: ClinVar variation 1718303 (VCV001718303.5), dbSNP rs762797016, ClinGen allele CA394304492.